The following is an entry in ClinVar:

ClinVar aggregate classification (germline): Uncertain significance (1 of 4 stars; one submission).

Conditions:
Trichorhinophalangeal dysplasia type I (TRPS1). Also called: TRICHORHINOPHALANGEAL SYNDROME, TYPE I; TRPS I. Identifiers: Orphanet 77258, MedGen C0432233, MONDO:0008596, OMIM 190350.
Trichorhinophalangeal syndrome, type III (TRPS3). Also called: SUGIO-KAJII SYNDROME. Identifiers: Orphanet 77258, MedGen C1860823, OMIM 190351, MONDO:0008597.

Submission:

Labcorp Genetics (formerly Invitae), Labcorp
Classification: Uncertain significance for Trichorhinophalangeal syndrome, type III; Trichorhinophalangeal dysplasia type I. Last evaluated: 2024-01-30. Review status: criteria provided, single submitter. Criteria: Invitae Variant Classification Sherloc (09022015). Collection method: clinical testing. Allele origin: germline.
Comment: This sequence change replaces leucine, which is neutral and non-polar, with arginine, which is basic and polar, at codon 566 of the TRPS1 protein (p.Leu566Arg). This variant is not present in population databases (gnomAD no frequency). This variant has not been reported in the literature in individuals affected with TRPS1-related conditions. Advanced modeling of protein sequence and biophysical properties (such as structural, functional, and spatial information, amino acid conservation, physicochemical variation, residue mobility, and thermodynamic stability) performed at Invitae indicates that this missense variant is not expected to disrupt TRPS1 protein function with a negative predictive value of 80%. In summary, the available evidence is currently insufficient to determine the role of this variant in disease. Therefore, it has been classified as a Variant of Uncertain Significance.

NM_014112.5(TRPS1):c.1697T>G (p.Leu566Arg)

Gene: TRPS1 (transcriptional repressor GATA binding 1; minus strand). Cytogenetic location: 8q23.3.
Variant type: single nucleotide variant.
Coding change: c.1697T>G on transcript NM_014112.5 (MANE Select); coding-DNA position 1697, T replaced by G.
Protein change: p.Leu566Arg; replaces leucine 566 with arginine.
Molecular consequence: missense variant.
Genome position (GRCh38, 1-based): chr8:115,604,272, A>C on the plus strand (T>G on the coding strand, the complement: TRPS1 is on the minus strand). VCF-style: chr8-115604272-A-C. GRCh37 (hg19) VCF-style: chr8-116616499-A-C.
Other names: c.1670T>G, p.Leu557Arg (NM_001282902.3); c.1676T>G, p.Leu559Arg (NM_001282903.3); c.1658T>G, p.Leu553Arg (NM_001330599.2); short protein forms L566R, L553R, L557R, L559R.
Identifiers: ClinVar variation 2938466 (VCV002938466.3), dbSNP rs2536889509, ClinGen allele CA372066824.
Genomic context (GRCh38, chr8:115,604,272, plus strand): 5'-CTGCAAAGTCCTCTGGGACAGAATGGACAGTGTTTAATGGTACACTTGTGAATGTTATGG[A>C]GCTGTTGATAATGACGGAGAAGTGGCCCCACTACAATTACATCAGGGCCATGGCTTTTGG-3'
Protein context (NP_054831.2, residues 556-576): VGPLLRHYQQ[Leu566Arg]HNIHKCTIKH